The following is an entry in ClinVar:

ClinVar aggregate classification (germline): Uncertain significance (1 of 4 stars; one submission).

Submission:

Labcorp Genetics (formerly Invitae), Labcorp
Classification: Uncertain significance. Last evaluated: 2022-06-08. Review status: criteria provided, single submitter. Criteria: Invitae Variant Classification Sherloc (09022015). Collection method: clinical testing. Allele origin: germline.
Comment: This variant is not present in population databases (gnomAD no frequency). In summary, the available evidence is currently insufficient to determine the role of this variant in disease. Therefore, it has been classified as a Variant of Uncertain Significance. Algorithms developed to predict the effect of missense changes on protein structure and function (SIFT, PolyPhen-2, Align-GVGD) all suggest that this variant is likely to be tolerated. This variant has not been reported in the literature in individuals affected with CCDC88A-related conditions. This sequence change replaces methionine, which is neutral and non-polar, with leucine, which is neutral and non-polar, at codon 1225 of the CCDC88A protein (p.Met1225Leu).

NM_001365480.1(CCDC88A):c.3676A>C (p.Met1226Leu)

Gene: CCDC88A (coiled-coil and HOOK domain protein 88A; minus strand). Cytogenetic location: 2p16.1.
Variant type: single nucleotide variant.
Coding change: c.3676A>C on transcript NM_001365480.1 (MANE Select); coding-DNA position 3676, A replaced by C.
Protein change: p.Met1226Leu; replaces methionine 1226 with leucine.
Molecular consequence: missense variant.
Genome position (GRCh38, 1-based): chr2:55,317,276, T>G on the plus strand (A>C on the coding strand, the complement: CCDC88A is on the minus strand). VCF-style: chr2-55317276-T-G. GRCh37 (hg19) VCF-style: chr2-55544412-T-G.
Other names: c.3673A>C, p.Met1225Leu (NM_001135597.2, NM_001254943.2); c.3676A>C, p.Met1226Leu (NM_018084.5); short protein forms M1225L, M1226L.
Identifiers: ClinVar variation 1916636 (VCV001916636.5), dbSNP rs771190514, ClinGen allele CA346890380.
Genomic context (GRCh38, chr2:55,317,276, plus strand): 5'-CACCACAAAGTTTCTTGTATTCTGCAGCTACTGTTTCATGATTTTTATTTTCAAGCAGCA[T>G]TTTTTCCTGTTCTACTTTGAGCATTTTTTCCAAATCTTCCAACTGTCCTTTCTGTTTTAA-3'
Protein context (NP_001352409.1, residues 1216-1236): EKMLKVEQEK[Met1226Leu]LLENKNHETV